The following is an entry in ClinVar:

NC_000023.11:g.(?_31929576)_(32217083_?)del

Genes: DMD (dystrophin; minus strand), LOC129391297 (MPRA-validated peak7374 silencer; plus strand). Cytogenetic location: Xp21.1.
Variant type: Deletion.
Identifiers: ClinVar variation 526147 (VCV000526147.2).

ClinVar aggregate classification (germline): Pathogenic (1 of 4 stars; one submission).

Conditions:
Duchenne muscular dystrophy (DMD). Also called: Duchenne Muscular Dystrophy (DMD); MUSCULAR DYSTROPHY, PSEUDOHYPERTROPHIC PROGRESSIVE, DUCHENNE TYPE. Identifiers: Orphanet 98896, MedGen C0013264, MONDO:0010679, OMIM 310200.

Submission:

Labcorp Genetics (formerly Invitae), Labcorp
Classification: Pathogenic for Duchenne muscular dystrophy. Last evaluated: 2022-04-13. Review status: criteria provided, single submitter. Criteria: Invitae Variant Classification Sherloc (09022015). Collection method: clinical testing. Allele origin: germline.
Comment: This variant is a gross deletion of the genomic region encompassing exon(s) 44-47 of the DMD gene. This deletion is out-of-frame, and is expected to create a premature termination codon and result in an absent or disrupted protein product. Loss-of-function variants in DMD are known to be pathogenic (PMID: 16770791, 25007885). A similar copy number variant has been observed in individuals with Duchenne and/or Becker muscular dystrophy (PMID: 9619643, 19449031, 25482253). For these reasons, this variant has been classified as Pathogenic.

Literature cited by the submitters: PubMed 16770791; PubMed 25007885; PubMed 9619643; PubMed 19449031; PubMed 25482253.